The following is an entry in ClinVar:

ClinVar aggregate classification (germline): Uncertain significance (1 of 4 stars; one submission).

Conditions:
Baller-Gerold syndrome (BGS). Also called: CRANIOSYNOSTOSIS WITH RADIAL DEFECTS. Identifiers: Orphanet 1225, MedGen C0265308, MONDO:0009039, OMIM 218600.

Allele frequency attached by ClinVar (database versions not stated): gnomAD exomes below 0.00001.
gnomAD v4.1: 3 of 1,605,956 alleles (0.00019%); highest among the groups gnomAD compares: Non-Finnish European, 0.00025%; no homozygotes.

Submission:

Labcorp Genetics (formerly Invitae), Labcorp
Classification: Uncertain significance for Baller-Gerold syndrome. Last evaluated: 2021-02-11. Review status: criteria provided, single submitter. Criteria: Invitae Variant Classification Sherloc (09022015). Collection method: clinical testing. Allele origin: germline.
Comment: In summary, this variant has uncertain impact on RECQL4 function. The available evidence is currently insufficient to determine its role in disease. Therefore, it has been classified as a Variant of Uncertain Significance. Algorithms developed to predict the effect of missense changes on protein structure and function (SIFT, PolyPhen-2, Align-GVGD) all suggest that this variant is likely to be disruptive, but these predictions have not been confirmed by published functional studies and their clinical significance is uncertain. This variant has not been reported in the literature in individuals with a RECQL4-related disease. ClinVar contains an entry for this variant (Variation ID: 459394). This variant is not present in population databases (ExAC no frequency). This sequence change replaces methionine with threonine at codon 776 of the RECQL4 protein (p.Met776Thr). The methionine residue is highly conserved and there is a moderate physicochemical difference between methionine and threonine.

NM_004260.4(RECQL4):c.2327T>C (p.Met776Thr)

Gene: RECQL4 (RecQ like helicase 4; minus strand). Cytogenetic location: 8q24.3.
Variant type: single nucleotide variant.
Coding change: c.2327T>C on transcript NM_004260.4 (MANE Select); coding-DNA position 2327, T replaced by C.
Protein change: p.Met776Thr; replaces methionine 776 with threonine.
Molecular consequence: missense variant.
Genome position (GRCh38, 1-based): chr8:144,513,354, A>G on the plus strand (T>C on the coding strand, the complement: RECQL4 is on the minus strand). VCF-style: chr8-144513354-A-G. GRCh37 (hg19) VCF-style: chr8-145738737-A-G.
Other names: short protein forms M776T.
Identifiers: ClinVar variation 459394 (VCV000459394.6), dbSNP rs1554898312, ClinGen allele CA372678340.